The following is an entry in ClinVar:

ClinVar aggregate classification (germline): Pathogenic (1 of 4 stars; one submission).

Conditions:
Alstrom syndrome (ALMS). Identifiers: Orphanet 64, MedGen C0268425, MONDO:0008763, OMIM 203800.

Submission:

Labcorp Genetics (formerly Invitae), Labcorp
Classification: Pathogenic for Alstrom syndrome. Last evaluated: 2021-12-27. Review status: criteria provided, single submitter. Criteria: Invitae Variant Classification Sherloc (09022015). Collection method: clinical testing. Allele origin: germline.
Comment: For these reasons, this variant has been classified as Pathogenic. This variant has not been reported in the literature in individuals affected with ALMS1-related conditions. This variant is not present in population databases (gnomAD no frequency). This sequence change creates a premature translational stop signal (p.Glu1964*) in the ALMS1 gene. It is expected to result in an absent or disrupted protein product. Loss-of-function variants in ALMS1 are known to be pathogenic (PMID: 17594715).

Literature cited by the submitters: PubMed 17594715.

NM_001378454.1(ALMS1):c.5887G>T (p.Glu1963Ter)

Gene: ALMS1 (ALMS1 centrosome and basal body associated protein; plus strand). Cytogenetic location: 2p13.1.
Variant type: single nucleotide variant.
Coding change: c.5887G>T on transcript NM_001378454.1 (MANE Select); coding-DNA position 5887, G replaced by T.
Protein change: p.Glu1963Ter; replaces glutamic acid 1963 with a stop codon.
Molecular consequence: nonsense.
Genome position (GRCh38, 1-based): chr2:73,452,414, G>T. VCF-style: chr2-73452414-G-T. GRCh37 (hg19) VCF-style: chr2-73679541-G-T.
Other names: c.5890G>T, p.Glu1964Ter (NM_015120.4); short protein forms E1963*, E1964*.
Identifiers: ClinVar variation 2046234 (VCV002046234.4), dbSNP rs45484791, ClinGen allele CA347283777.